The following is an entry in ClinVar:

ClinVar aggregate classification (germline): Uncertain significance. Review status: criteria provided, multiple submitters, no conflicts (2 of 4 stars). 3 submissions from 3 submitters: Uncertain significance (3). Last evaluated 2024-09-25.

Conditions:
Autosomal dominant hypocalcemia 1 (HYPOC1). Also called: HYPOCALCEMIA, FAMILIAL. Identifiers: MedGen C3715128, MONDO:0011013, OMIM 601198.
Familial hypocalciuric hypercalcemia 1. Also called: Hypercalcemia, familial benign type 1. Identifiers: Orphanet 405, Orphanet 93372, MedGen C0342637, MONDO:0007791, OMIM 145980.
Epilepsy, idiopathic generalized, susceptibility to, 8. Identifiers: MedGen C2752062, MONDO:0013032, OMIM 612899.
Neonatal severe primary hyperparathyroidism. Identifiers: Orphanet 417, MedGen C1832615, MONDO:0009397, OMIM 239200.
Familial hypocalciuric hypercalcemia (FHH). Also called: Familial benign hypercalcemia. Identifiers: Orphanet 405, MedGen C1809471, MONDO:0018458.
Nephrolithiasis/nephrocalcinosis. Identifiers: MedGen CN580796.

Allele frequency attached by ClinVar (database versions not stated): gnomAD exomes below 0.00001 and 0.00001; ExAC 0.00001; gnomAD 0.00001; ESP Exome Variant Server 0.00008.
gnomAD v4.1: 3 of 1,613,564 alleles (0.00019%); highest among the groups gnomAD compares: African/African-American, 0.004%; no homozygotes.

Submissions (3):

Labcorp Genetics (formerly Invitae), Labcorp
Classification: Uncertain significance for Familial hypocalciuric hypercalcemia; Autosomal dominant hypocalcemia 1. Last evaluated: 2024-09-25. Review status: criteria provided, single submitter. Criteria: Invitae Variant Classification Sherloc (09022015). Collection method: clinical testing. Allele origin: germline.
Comment: This sequence change replaces glycine, which is neutral and non-polar, with aspartic acid, which is acidic and polar, at codon 447 of the CASR protein (p.Gly447Asp). This variant is present in population databases (rs141315218, gnomAD 0.01%). This variant has not been reported in the literature in individuals affected with CASR-related conditions. ClinVar contains an entry for this variant (Variation ID: 949642). An algorithm developed to predict the effect of missense changes on protein structure and function (PolyPhen-2) suggests that this variant is likely to be disruptive. In summary, the available evidence is currently insufficient to determine the role of this variant in disease. Therefore, it has been classified as a Variant of Uncertain Significance.

Fulgent Genetics
Classification: Uncertain significance for Familial hypocalciuric hypercalcemia 1; Neonatal severe primary hyperparathyroidism; Autosomal dominant hypocalcemia 1; Epilepsy, idiopathic generalized, susceptibility to, 8. Last evaluated: 2023-12-29. Review status: criteria provided, single submitter. Criteria: ACMG Guidelines, 2015. Collection method: clinical testing. Allele origin: germline.

Ambry Genetics
Classification: Uncertain significance for Nephrolithiasis/nephrocalcinosis. Last evaluated: 2020-11-25. Review status: criteria provided, single submitter. Criteria: Ambry Variant Classification Scheme 2023. Collection method: clinical testing. Allele origin: germline.
Comment: The p.G447D variant (also known as c.1340G>A), located in coding exon 3 of the CASR gene, results from a G to A substitution at nucleotide position 1340. The glycine at codon 447 is replaced by aspartic acid, an amino acid with similar properties. This amino acid position is well conserved in available vertebrate species. In addition, the in silico prediction for this alteration is inconclusive. Since supporting evidence is limited at this time, the clinical significance of this alteration remains unclear.

NM_000388.4(CASR):c.1340G>A (p.Gly447Asp)

Gene: CASR (calcium sensing receptor; plus strand). Cytogenetic location: 3q21.1.
Variant type: single nucleotide variant.
Coding change: c.1340G>A on transcript NM_000388.4 (MANE Select); coding-DNA position 1340, G replaced by A.
Protein change: p.Gly447Asp; replaces glycine 447 with aspartic acid.
Molecular consequence: missense variant.
Genome position (GRCh38, 1-based): chr3:122,262,375, G>A. VCF-style: chr3-122262375-G-A. GRCh37 (hg19) VCF-style: chr3-121981222-G-A.
Other names: c.1340G>A, p.Gly447Asp (NM_001178065.2); short protein forms G447D.
Identifiers: ClinVar variation 949642 (VCV000949642.13), dbSNP rs141315218, ClinGen allele CA2569624.
Genomic context (GRCh38, chr3:122,262,375, plus strand): 5'-TTGCCCACGCCTTGCAAGATATATATACCTGCTTACCTGGGAGAGGGCTCTTCACCAATG[G>A]CTCCTGTGCAGACATCAAGAAAGTTGAGGCGTGGCAGGTGCGTCCTTCACTTATATAGCA-3'
Protein context (NP_000379.3, residues 437-457): CLPGRGLFTN[Gly447Asp]SCADIKKVEA